The following is an entry in ClinVar:

NM_006612.6(KIF1C):c.1780G>A (p.Val594Ile)

Genes: KIF1C (kinesin family member 1C; plus strand), LOC126862473 (CDK7 strongly-dependent group 2 enhancer GRCh37_chr17:4923264-4924463; plus strand). Cytogenetic location: 17p13.2.
Variant type: single nucleotide variant.
Coding change: c.1780G>A on transcript NM_006612.6 (MANE Select); coding-DNA position 1780, G replaced by A.
Protein change: p.Val594Ile; replaces valine 594 with isoleucine.
Molecular consequence: missense variant.
Genome position (GRCh38, 1-based): chr17:5,020,521, G>A. VCF-style: chr17-5020521-G-A. GRCh37 (hg19) VCF-style: chr17-4923816-G-A.
Other names: short protein forms V594I.
Identifiers: ClinVar variation 2472659 (VCV002472659.3), dbSNP rs745324466, ClinGen allele CA8319119.

ClinVar aggregate classification (germline): Uncertain significance. Review status: criteria provided, multiple submitters, no conflicts (2 of 4 stars). 2 submissions from 2 submitters: Uncertain significance (2). Last evaluated 2025-02-27.

Conditions:
Spastic ataxia 2. Also called: Ataxia, spastic, 2, autosomal recessive. Identifiers: Orphanet 397946, MedGen C1969796, MONDO:0012651, OMIM 611302.
Inborn genetic diseases. Identifiers: MedGen C0950123, MeSH D030342.

Allele frequency attached by ClinVar (database versions not stated): ExAC 0.00001; gnomAD exomes 0.00001; TOPMed 0.00002.
gnomAD v4.1: 15 of 1,614,032 alleles (0.00093%); highest among the groups gnomAD compares: East Asian, 0.0022%; no homozygotes.

Submissions (2):

Labcorp Genetics (formerly Invitae), Labcorp
Classification: Uncertain significance for Spastic ataxia 2. Last evaluated: 2025-02-27. Review status: criteria provided, single submitter. Criteria: Invitae Variant Classification Sherloc (09022015). Collection method: clinical testing. Allele origin: germline.
Comment: This sequence change replaces valine, which is neutral and non-polar, with isoleucine, which is neutral and non-polar, at codon 594 of the KIF1C protein (p.Val594Ile). This variant is present in population databases (rs745324466, gnomAD 0.0009%). This variant has not been reported in the literature in individuals affected with KIF1C-related conditions. ClinVar contains an entry for this variant (Variation ID: 2472659). Invitae Evidence Modeling of protein sequence and biophysical properties (such as structural, functional, and spatial information, amino acid conservation, physicochemical variation, residue mobility, and thermodynamic stability) indicates that this missense variant is not expected to disrupt KIF1C protein function with a negative predictive value of 80%. In summary, the available evidence is currently insufficient to determine the role of this variant in disease. Therefore, it has been classified as a Variant of Uncertain Significance.

Ambry Genetics
Classification: Uncertain significance for Inborn genetic diseases. Last evaluated: 2023-02-23. Review status: criteria provided, single submitter. Criteria: Ambry Variant Classification Scheme 2023. Collection method: clinical testing. Allele origin: germline.